The following is an entry in ClinVar:

NM_001378687.1(ATP2C1):c.486C>T (p.Cys162=)

Gene: ATP2C1 (ATPase secretory pathway Ca2+ transporting 1; plus strand). Cytogenetic location: 3q22.1.
Variant type: single nucleotide variant.
Coding change: c.486C>T on transcript NM_001378687.1 (MANE Select); coding-DNA position 486, C replaced by T.
Protein change: p.Cys162=; no amino-acid change (cysteine 162 retained).
Molecular consequence: synonymous variant.
Genome position (GRCh38, 1-based): chr3:130,941,654, C>T. VCF-style: chr3-130941654-C-T. GRCh37 (hg19) VCF-style: chr3-130660498-C-T.
Other names: c.486C>T, p.Cys162= (NM_001001485.3, NM_001001486.2, NM_001001487.2 and 5 more transcripts); c.588C>T, p.Cys196= (NM_001199180.2, NM_001199181.3, NM_001378511.1); c.471C>T, p.Cys157= (NM_001199182.2); c.438C>T, p.Cys146= (NM_001199183.2, NM_001199184.3, NM_001378514.1).
Identifiers: ClinVar variation 2147650 (VCV002147650.4), dbSNP rs368726188, ClinGen allele CA2614845.

ClinVar aggregate classification (germline): Uncertain significance (1 of 4 stars; one submission).

Allele frequency attached by ClinVar (database versions not stated): ExAC 0.00003; gnomAD exomes 0.00003; gnomAD 0.00004; ESP Exome Variant Server 0.00008.
gnomAD v4.1: 46 of 1,613,698 alleles (0.0029%); highest among the groups gnomAD compares: Admixed American, 0.015%; no homozygotes.

Submission:

Labcorp Genetics (formerly Invitae), Labcorp
Classification: Uncertain significance. Last evaluated: 2023-01-05. Review status: criteria provided, single submitter. Criteria: Invitae Variant Classification Sherloc (09022015). Collection method: clinical testing. Allele origin: germline.
Comment: This variant is present in population databases (rs368726188, gnomAD 0.02%). This variant has not been reported in the literature in individuals affected with ATP2C1-related conditions. Algorithms developed to predict the effect of sequence changes on RNA splicing suggest that this variant may create or strengthen a splice site. In summary, the available evidence is currently insufficient to determine the role of this variant in disease. Therefore, it has been classified as a Variant of Uncertain Significance. This sequence change affects codon 162 of the ATP2C1 mRNA. It is a 'silent' change, meaning that it does not change the encoded amino acid sequence of the ATP2C1 protein.